The following is an entry in ClinVar:

NM_181882.3(PRX):c.-242-3T>G

Gene: PRX (periaxin; minus strand). Cytogenetic location: 19q13.2.
Variant type: single nucleotide variant.
Coding change: c.-242-3T>G on transcript NM_181882.3 (MANE Select); 3 bases into the intron before 242 bases upstream of the start codon, T replaced by G.
Molecular consequence: intron variant.
Genome position (GRCh38, 1-based): chr19:40,408,386, A>C on the plus strand (T>G on the coding strand, the complement: PRX is on the minus strand). VCF-style: chr19-40408386-A-C. GRCh37 (hg19) VCF-style: chr19-40914293-A-C.
Other names: c.-242-3T>G (NM_020956.2); c.44-3T>G (NM_001411127.1).
Identifiers: ClinVar variation 2661991 (VCV002661991.1), dbSNP rs1490763427, ClinGen allele CA882228216.

ClinVar aggregate classification (germline): Uncertain significance (1 of 4 stars; one submission).

gnomAD v4.1: 2 of 287,688 alleles (0.0007%); highest among the groups gnomAD compares: Non-Finnish European, 0.00068%; no homozygotes.

Submission:

GeneDx
Classification: Uncertain significance. Last evaluated: 2023-04-28. Review status: criteria provided, single submitter. Criteria: GeneDx Variant Classification Process June 2021. Collection method: clinical testing. Allele origin: germline. Affected: yes.
Comment: In silico analysis supports a deleterious effect on splicing; Has not been previously published as pathogenic or benign to our knowledge; No data available from control populations to assess the frequency of this variant